The following is an entry in ClinVar:

NM_001009944.3(PKD1):c.-109C>T

Gene: PKD1 (polycystin 1, transient receptor potential channel interacting; minus strand). Cytogenetic location: 16p13.3.
Variant type: single nucleotide variant.
Coding change: c.-109C>T on transcript NM_001009944.3 (MANE Select); 109 bases upstream of the start codon, C replaced by T.
Molecular consequence: 5 prime UTR variant.
Genome position (GRCh38, 1-based): chr16:2,135,798, G>A on the plus strand (C>T on the coding strand, the complement: PKD1 is on the minus strand). VCF-style: chr16-2135798-G-A. GRCh37 (hg19) VCF-style: chr16-2185799-G-A.
Other names: c.-109C>T (NM_000296.4).
Identifiers: ClinVar variation 997324 (VCV000997324.1), dbSNP rs1034012323, ClinGen allele CA276756709.

ClinVar aggregate classification (germline): Benign (0 of 4 stars; one submission).

Conditions:
Polycystic kidney disease. Also called: Polycystic kidney dysplasia; Kidney, Polycystic. Identifiers: MedGen C0022680, MeSH D007690, MONDO:0020642, HP:0000113.

Allele frequency attached by ClinVar (database versions not stated): 1000 Genomes Project 30x 0.00016; gnomAD exomes 0.00067; TOPMed 0.00079; gnomAD 0.00115 and 0.00120.
gnomAD v4.1: 480 of 620,208 alleles (0.077%); highest among the groups gnomAD compares: Non-Finnish European, 0.091%; 1 homozygote.

Submission:

Department of Pathology and Laboratory Medicine, Sinai Health System
Classification: Benign for Polycystic Kidney disease. Review status: no assertion criteria provided. Collection method: clinical testing. Allele origin: unknown. Affected: yes. Observed: 1 variant allele. Study: The Canadian Open Genetics Repository (COGR).
Comment: The PKD1 c.-109C>T variant was not identified in the literature nor was it identified in dbSNP, ClinVar, LOVD 3.0, GeneInsight-COGR, ADPKD Mutation Database and PKD1-LOVD. An alternate variant (c.-108C>T) is listed as likely benign in the ADPKD Mutation Database. The variant was identified in control databases in 79 of 25502 chromosomes at a frequency of 0.003 increasing the likelihood this could be a low frequency benign variant (Genome Aggregation Database Feb 27, 2017). Breakdown of the observations by population include Other in 4 of 714 chromosomes (freq: 0.006) and European Non-Finnish in 75 of 13506 chromosomes (freq: 0.006), while not observed in the Latino , European Finnish, South Asian , African, Ashkenazi Jewish and East Asian populations. In addition we cannot be certain that data from control databases is specific to PKD1 and not from one of the six PKD1 pseudogenes. The c.-109C>T variant occurs outside of the splicing consensus sequence and in silico or computational prediction software programs (SpliceSiteFinder, MaxEntScan, NNSPLICE, GeneSplicer, HumanSpliceFinder) do not predict a difference in splicing. In summary, based on the above information, this variant meets our laboratory criteria to be classified as benign.